The following is an entry in ClinVar:

ClinVar aggregate classification (germline): Uncertain significance. Review status: criteria provided, multiple submitters, no conflicts (2 of 4 stars). 3 submissions from 3 submitters: Uncertain significance (2). 1 of the submissions does not count toward it. Last evaluated 2025-11-27.

Conditions:
SRP72-related disorder. Also called: SRP72-related condition.

gnomAD v4.1: 15 of 1,560,092 alleles (0.00096%); highest among the groups gnomAD compares: South Asian, 0.0012%; no homozygotes.

Submissions (3):

Labcorp Genetics (formerly Invitae), Labcorp
Classification: Uncertain significance. Last evaluated: 2025-11-27. Review status: criteria provided, single submitter. Criteria: Invitae Variant Classification Sherloc (09022015). Collection method: clinical testing. Allele origin: germline.
Comment: This sequence change replaces valine, which is neutral and non-polar, with methionine, which is neutral and non-polar, at codon 9 of the SRP72 protein (p.Val9Met). The frequency data for this variant in the population databases is considered unreliable, as metrics indicate poor data quality at this position in the gnomAD database. This variant has not been reported in the literature in individuals affected with SRP72-related conditions. ClinVar contains an entry for this variant (Variation ID: 2879586). An algorithm developed to predict the effect of missense changes on protein structure and function (PolyPhen-2) suggests that this variant is likely to be tolerated. In summary, the available evidence is currently insufficient to determine the role of this variant in disease. Therefore, it has been classified as a Variant of Uncertain Significance.

Ambry Genetics
Classification: Uncertain significance. Last evaluated: 2025-01-01. Review status: criteria provided, single submitter. Criteria: Ambry Variant Classification Scheme 2023. Collection method: clinical testing. Allele origin: germline.
Comment: The p.V9M variant (also known as c.25G>A), located in coding exon 1 of the SRP72 gene, results from a G to A substitution at nucleotide position 25. The valine at codon 9 is replaced by methionine, an amino acid with highly similar properties. This amino acid position is conserved. In addition, this alteration is predicted to be tolerated by in silico analysis. Based on the available evidence, the clinical significance of this variant remains unclear.

PreventionGenetics, part of Exact Sciences
Classification: Uncertain significance for SRP72-related condition. Last evaluated: 2023-12-21. Review status: no assertion criteria provided. Collection method: clinical testing. Allele origin: germline. Not counted in ClinVar's aggregate classification.
Comment: The SRP72 c.25G>A variant is predicted to result in the amino acid substitution p.Val9Met. To our knowledge, this variant has not been reported in the literature. This variant is reported in 0.0040% of alleles in individuals of Latino descent in gnomAD. At this time, the clinical significance of this variant is uncertain due to the absence of conclusive functional and genetic evidence.

NM_006947.4(SRP72):c.25G>A (p.Val9Met)

Genes: SRP72 (signal recognition particle 72; plus strand), LOC129992625 (ATAC-STARR-seq lymphoblastoid active region 21580; plus strand). Cytogenetic location: 4q12.
Variant type: single nucleotide variant.
Coding change: c.25G>A on transcript NM_006947.4 (MANE Select); coding-DNA position 25, G replaced by A.
Protein change: p.Val9Met; replaces valine 9 with methionine.
Molecular consequence: missense variant. On other transcripts: non-coding transcript variant (1).
Genome position (GRCh38, 1-based): chr4:56,467,660, G>A. VCF-style: chr4-56467660-G-A. GRCh37 (hg19) VCF-style: chr4-57333826-G-A.
Other names: c.25G>A, p.Val9Met (NM_001267722.2); c.25G>A (NM_006947.3); short protein forms V9M.
Identifiers: ClinVar variation 2879586 (VCV002879586.6), dbSNP rs571949209, ClinGen allele CA2930932.
Genomic context (GRCh38, chr4:56,467,660, plus strand): 5'-AGAGGTCTCCCCGCCCCGCCCCTCGTCTCCTCCAAGATGGCGAGCGGCGGCAGCGGGGGG[G>A]TGTCAGTACCTGCGCTGTGGAGTGAAGTGAACCGGTATGGCCAGAACGGCGACTTCACGC-3'
Protein context (NP_008878.3, residues 1-19): MASGGSGG[Val9Met]SVPALWSEVN